The following is an entry in ClinVar:

ClinVar aggregate classification (germline): Likely benign (1 of 4 stars; one submission).

Conditions:
DNMT3A-related disorder. Also called: DNMT3A-related disorders; DNMT3A-related condition.

Submission:

PreventionGenetics, part of Exact Sciences
Classification: Likely benign for DNMT3A-related condition. Last evaluated: 2026-04-26. Review status: criteria provided, single submitter. Criteria: ACMG Guidelines, 2015. Collection method: clinical testing. Allele origin: germline.
Comment: This variant is classified as likely benign based on ACMG/AMP sequence variant interpretation guidelines (Richards et al. 2015 PMID: 25741868, with internal and published modifications).

NM_022552.5(DNMT3A):c.640-3666G>A

Gene: DNMT3A (DNA methyltransferase 3 alpha; minus strand). Cytogenetic location: 2p23.3.
Variant type: single nucleotide variant.
Coding change: c.640-3666G>A on transcript NM_022552.5 (MANE Select); 3666 bases into the intron before coding-DNA position 640, G replaced by A.
Molecular consequence: intron variant. On other transcripts: synonymous variant (1).
Genome position (GRCh38, 1-based): chr2:25,251,918, C>T on the plus strand (G>A on the coding strand, the complement: DNMT3A is on the minus strand). VCF-style: chr2-25251918-C-T. GRCh37 (hg19) VCF-style: chr2-25474787-C-T.
Other names: c.177G>A, p.Arg59= (NM_001320893.1); c.640-3666G>A (NM_175629.2); c.4+276G>A (NM_153759.3); c.-31+276G>A (NM_001375819.1).
Identifiers: ClinVar variation 4978987 (VCV004978987.1).